The following is an entry in ClinVar:

ClinVar aggregate classification (germline): Uncertain significance (1 of 4 stars; one submission).

Conditions:
Progressive microcephaly-seizures-cortical blindness-developmental delay syndrome. Also called: Seizures, cortical blindness, and microcephaly syndrome. Identifiers: Orphanet 477814, MedGen C5567650, MONDO:0014714, OMIM 616632.
Autosomal dominant nonsyndromic hearing loss 1. Also called: DEAFNESS, AUTOSOMAL DOMINANT 1, WITH OR WITHOUT THROMBOCYTOPENIA; KONIGSMARK SYNDROME. Identifiers: Orphanet 90635, MedGen C1852282, MONDO:0007424, OMIM 124900.

Submission:

Labcorp Genetics (formerly Invitae), Labcorp
Classification: Uncertain significance for Progressive microcephaly-seizures-cortical blindness-developmental delay syndrome; Autosomal dominant nonsyndromic hearing loss 1. Last evaluated: 2024-10-28. Review status: criteria provided, single submitter. Criteria: Invitae Variant Classification Sherloc (09022015). Collection method: clinical testing. Allele origin: germline.
Comment: This sequence change replaces leucine, which is neutral and non-polar, with phenylalanine, which is neutral and non-polar, at codon 976 of the DIAPH1 protein (p.Leu976Phe). This variant is not present in population databases (gnomAD no frequency). This variant has not been reported in the literature in individuals affected with DIAPH1-related conditions. ClinVar contains an entry for this variant (Variation ID: 1349603). An algorithm developed to predict the effect of missense changes on protein structure and function (PolyPhen-2) suggests that this variant is likely to be disruptive. In summary, the available evidence is currently insufficient to determine the role of this variant in disease. Therefore, it has been classified as a Variant of Uncertain Significance.

NM_005219.5(DIAPH1):c.2926C>T (p.Leu976Phe)

Gene: DIAPH1 (diaphanous related formin 1; minus strand). Cytogenetic location: 5q31.3.
Variant type: single nucleotide variant.
Coding change: c.2926C>T on transcript NM_005219.5 (MANE Select); coding-DNA position 2926, C replaced by T.
Protein change: p.Leu976Phe; replaces leucine 976 with phenylalanine.
Molecular consequence: missense variant.
Genome position (GRCh38, 1-based): chr5:141,528,794, G>A on the plus strand (C>T on the coding strand, the complement: DIAPH1 is on the minus strand). VCF-style: chr5-141528794-G-A. GRCh37 (hg19) VCF-style: chr5-140908361-G-A.
Other names: c.2899C>T, p.Leu967Phe (NM_001079812.3); c.2926C>T, p.Leu976Phe (NM_001314007.2); short protein forms L976F, L967F.
Identifiers: ClinVar variation 1349603 (VCV001349603.8), dbSNP rs2154595003, ClinGen allele CA361584434.